The following is an entry in ClinVar:

NM_001122955.4(BSCL2):c.1234+20G>A

Genes: BSCL2 (BSCL2 lipid droplet biogenesis associated, seipin; minus strand), HNRNPUL2-BSCL2 (HNRNPUL2-BSCL2 readthrough (NMD candidate); minus strand). Cytogenetic location: 11q12.3.
Variant type: single nucleotide variant.
Coding change: c.1234+20G>A on transcript NM_001122955.4 (MANE Select); 20 bases into the intron after coding-DNA position 1234, G replaced by A.
Molecular consequence: intron variant.
Genome position (GRCh38, 1-based): chr11:62,690,592, C>T on the plus strand (G>A on the coding strand, the complement: BSCL2 is on the minus strand). VCF-style: chr11-62690592-C-T. GRCh37 (hg19) VCF-style: chr11-62458064-C-T.
Other names: p.?; c.*36+20G>A (NM_001130702.2); c.1042+20G>A (NM_032667.6); c.1234+20G>A (NM_001386028.1); c.1240+20G>A (NM_001386027.1).
Identifiers: ClinVar variation 1246946 (VCV001246946.12), dbSNP rs113229350, ClinGen allele CA6053280.

ClinVar aggregate classification (germline): Benign/Likely benign. Review status: criteria provided, multiple submitters, no conflicts (2 of 4 stars). 4 submissions from 4 submitters: Benign (2); Likely benign (2). Last evaluated 2026-01-12.

Conditions:
Hereditary spastic paraplegia 17. Also called: Spastic Paraplegia 17; Autosomal dominant spastic paraplegia type 17; Silver Syndrome; Silver spastic paraplegia syndrome; SPASTIC PARAPLEGIA WITH AMYOTROPHY OF HANDS AND FEET. Identifiers: Orphanet 100998, MedGen C2931276, MONDO:0010043, OMIM 270685.
Congenital generalized lipodystrophy type 2 (CGL2). Also called: BERARDINELLI SYNDROME; BRUNZELL SYNDROME, BSCL2-RELATED; SEIP SYNDROME; Berardinelli-Seip Congenital Lipodystrophy Type 2. Identifiers: Orphanet 528, Orphanet 696289, MedGen C1720863, MONDO:0010020, OMIM 269700.
Severe neurodegenerative syndrome with lipodystrophy. Also called: Encephalopathy, progressive, with or without lipodystrophy; ENCEPHALOPATHY, PROGRESSIVE, WITH LIPODYSTROPHY. Identifiers: Orphanet 363400, MedGen C4014700, MONDO:0014402, OMIM 615924.
Neuronopathy, distal hereditary motor, type 5C. Also called: DHMN VC; NEURONOPATHY, DISTAL HEREDITARY MOTOR, HARDING TYPE VC; NEUROPATHY, DISTAL HEREDITARY MOTOR, HARDING TYPE VC; SPINAL MUSCULAR ATROPHY, DISTAL, HARDING TYPE VC; NEURONOPATHY, DISTAL HEREDITARY MOTOR, AUTOSOMAL DOMINANT 13. Identifiers: MedGen C5436838, MONDO:0030860, OMIM 619112.
Charcot-Marie-Tooth disease type 2. Also called: Charcot-Marie-Tooth type 2. Identifiers: Orphanet 64746, MedGen C0270914, MONDO:0018993.

Allele frequency attached by ClinVar (database versions not stated): gnomAD exomes 0.00150 and 0.00054; gnomAD 0.00591 and 0.00638; ESP Exome Variant Server 0.00669; ExAC 0.00198; 1000 Genomes Project 0.00619; 1000 Genomes Project 30x 0.00640; TOPMed 0.00663.
gnomAD v4.1: 1,717 of 1,613,970 alleles (0.11%); highest among the groups gnomAD compares: African/African-American, 2%; 14 homozygotes.

Submissions (4):

Labcorp Genetics (formerly Invitae), Labcorp
Classification: Benign for Charcot-Marie-Tooth disease type 2. Last evaluated: 2026-01-12. Review status: criteria provided, single submitter. Criteria: Invitae Variant Classification Sherloc (09022015). Collection method: clinical testing. Allele origin: germline.

Mayo Clinic Laboratories, Mayo Clinic
Classification: Likely benign. Last evaluated: 2025-10-07. Review status: criteria provided, single submitter. Criteria: ACMG Guidelines, 2015. Collection method: clinical testing. Allele origin: germline. Observed: 3 variant alleles.
Comment: BS1, BP4

Fulgent Genetics
Classification: Likely benign for Congenital generalized lipodystrophy type 2; Hereditary spastic paraplegia 17; Severe neurodegenerative syndrome with lipodystrophy; Neuronopathy, distal hereditary motor, type 5C. Last evaluated: 2022-05-04. Review status: criteria provided, single submitter. Criteria: ACMG Guidelines, 2015. Collection method: clinical testing. Allele origin: unknown.

GeneDx
Classification: Benign. Last evaluated: 2015-03-03. Review status: criteria provided, single submitter. Criteria: GeneDx Variant Classification Process June 2021. Collection method: clinical testing. Allele origin: germline. Affected: yes.